The following is an entry in ClinVar:

NM_000834.5(GRIN2B):c.3290A>C (p.Lys1097Thr)

Gene: GRIN2B (glutamate ionotropic receptor NMDA type subunit 2B; minus strand). Cytogenetic location: 12p13.1.
Variant type: single nucleotide variant.
Coding change: c.3290A>C on transcript NM_000834.5 (MANE Select); coding-DNA position 3290, A replaced by C.
Protein change: p.Lys1097Thr; replaces lysine 1097 with threonine.
Molecular consequence: missense variant.
Genome position (GRCh38, 1-based): chr12:13,563,948, T>G on the plus strand (A>C on the coding strand, the complement: GRIN2B is on the minus strand). VCF-style: chr12-13563948-T-G. GRCh37 (hg19) VCF-style: chr12-13716882-T-G.
Other names: c.3290A>C, p.Lys1097Thr (NM_001413992.1); short protein forms K1097T.
Identifiers: ClinVar variation 2577549 (VCV002577549.2), dbSNP rs2497469345, ClinGen allele CA383990134.

ClinVar aggregate classification (germline): Uncertain significance (1 of 4 stars; one submission).

Submission:

GeneDx
Classification: Uncertain significance. Last evaluated: 2023-11-19. Review status: criteria provided, single submitter. Criteria: GeneDx Variant Classification Process June 2021. Collection method: clinical testing. Allele origin: germline.
Comment: Not observed at significant frequency in large population cohorts (gnomAD); In silico analysis supports that this missense variant has a deleterious effect on protein structure/function; Has not been previously published as pathogenic or benign to our knowledge